The following is an entry in ClinVar:

NM_001849.4(COL6A2):c.1273C>T (p.Arg425Cys)

Gene: COL6A2 (collagen type VI alpha 2 chain; plus strand). Cytogenetic location: 21q22.3.
Variant type: single nucleotide variant.
Coding change: c.1273C>T on transcript NM_001849.4 (MANE Select); coding-DNA position 1273, C replaced by T.
Protein change: p.Arg425Cys; replaces arginine 425 with cysteine.
Molecular consequence: missense variant.
Genome position (GRCh38, 1-based): chr21:46,119,791, C>T. VCF-style: chr21-46119791-C-T. GRCh37 (hg19) VCF-style: chr21-47539705-C-T.
Other names: c.1273C>T, p.Arg425Cys (NM_058174.3, NM_058175.3); short protein forms R425C.
Identifiers: ClinVar variation 956324 (VCV000956324.6), dbSNP rs761330909, ClinGen allele CA10071813.

ClinVar aggregate classification (germline): Uncertain significance (1 of 4 stars; one submission).

Conditions:
Bethlem myopathy 1A. Also called: Bethlem Muscular Dystrophy; Bethlem myopathy 1; MYOPATHY, BENIGN CONGENITAL, WITH CONTRACTURES. Identifiers: Orphanet 610, MedGen CN029274, MONDO:0024530, OMIM 158810.

Allele frequency attached by ClinVar (database versions not stated): TOPMed 0.00003.
gnomAD v4.1: 10 of 1,560,470 alleles (0.00064%); highest among the groups gnomAD compares: Admixed American, 0.0019%; no homozygotes.

Submission:

Labcorp Genetics (formerly Invitae), Labcorp
Classification: Uncertain significance for Bethlem myopathy 1A. Last evaluated: 2024-06-19. Review status: criteria provided, single submitter. Criteria: Invitae Variant Classification Sherloc (09022015). Collection method: clinical testing. Allele origin: germline.
Comment: This sequence change replaces arginine, which is basic and polar, with cysteine, which is neutral and slightly polar, at codon 425 of the COL6A2 protein (p.Arg425Cys). The frequency data for this variant in the population databases is considered unreliable, as metrics indicate poor data quality at this position in the gnomAD database. This variant has not been reported in the literature in individuals affected with COL6A2-related conditions. ClinVar contains an entry for this variant (Variation ID: 956324). Advanced modeling of protein sequence and biophysical properties (such as structural, functional, and spatial information, amino acid conservation, physicochemical variation, residue mobility, and thermodynamic stability) performed at Invitae indicates that this missense variant is expected to disrupt COL6A2 protein function with a positive predictive value of 80%. In summary, the available evidence is currently insufficient to determine the role of this variant in disease. Therefore, it has been classified as a Variant of Uncertain Significance.